The following is an entry in ClinVar:

NM_001378454.1(ALMS1):c.3523A>G (p.Thr1175Ala)

Gene: ALMS1 (ALMS1 centrosome and basal body associated protein; plus strand). Cytogenetic location: 2p13.1.
Variant type: single nucleotide variant.
Coding change: c.3523A>G on transcript NM_001378454.1 (MANE Select); coding-DNA position 3523, A replaced by G.
Protein change: p.Thr1175Ala; replaces threonine 1175 with alanine.
Molecular consequence: missense variant.
Genome position (GRCh38, 1-based): chr2:73,450,050, A>G. VCF-style: chr2-73450050-A-G. GRCh37 (hg19) VCF-style: chr2-73677177-A-G.
Other names: c.3526A>G, p.Thr1176Ala (NM_015120.4); short protein forms T1176A, T1175A.
Identifiers: ClinVar variation 1482648 (VCV001482648.6), dbSNP rs1321889913, ClinGen allele CA347275833.
Genomic context (GRCh38, chr2:73,450,050, plus strand): 5'-CACCAGCAGGCCTTGCCAGGTACTCATATACCTGAAGAGGCTCAGAAAGTTTCAGCTGTT[A>G]CTGGACCAGGTAACCAGAAGACTTGGATACCAAGAGTACTTTCTACCTTCTACTCACAAA-3'
Protein context (NP_001365383.1, residues 1165-1185): PEEAQKVSAV[Thr1175Ala]GPGNQKTWIP

ClinVar aggregate classification (germline): Uncertain significance (1 of 4 stars; one submission).

Conditions:
Alstrom syndrome (ALMS). Identifiers: Orphanet 64, MedGen C0268425, MONDO:0008763, OMIM 203800.

Submission:

Labcorp Genetics (formerly Invitae), Labcorp
Classification: Uncertain significance for Alstrom syndrome. Last evaluated: 2023-05-15. Review status: criteria provided, single submitter. Criteria: Invitae Variant Classification Sherloc (09022015). Collection method: clinical testing. Allele origin: germline.
Comment: In summary, the available evidence is currently insufficient to determine the role of this variant in disease. Therefore, it has been classified as a Variant of Uncertain Significance. Experimental studies and prediction algorithms are not available or were not evaluated, and the functional significance of this variant is currently unknown. ClinVar contains an entry for this variant (Variation ID: 1482648). This variant has not been reported in the literature in individuals affected with ALMS1-related conditions. This variant is not present in population databases (gnomAD no frequency). This sequence change replaces threonine with alanine at codon 1176 of the ALMS1 protein (p.Thr1176Ala). The threonine residue is weakly conserved and there is a small physicochemical difference between threonine and alanine.